The following is an entry in ClinVar:

NM_001384474.1(LOXHD1):c.1944C>T (p.Ser648=)

Gene: LOXHD1 (lipoxygenase homology PLAT domains 1; minus strand). Cytogenetic location: 18q21.1.
Variant type: single nucleotide variant.
Coding change: c.1944C>T on transcript NM_001384474.1 (MANE Select); coding-DNA position 1944, C replaced by T.
Protein change: p.Ser648=; no amino-acid change (serine 648 retained).
Molecular consequence: synonymous variant.
Genome position (GRCh38, 1-based): chr18:46,577,733, G>A on the plus strand (C>T on the coding strand, the complement: LOXHD1 is on the minus strand). VCF-style: chr18-46577733-G-A. GRCh37 (hg19) VCF-style: chr18-44157696-G-A.
Other names: c.1944C>T, p.Ser648= (NM_144612.7).
Identifiers: ClinVar variation 287384 (VCV000287384.26), dbSNP rs369039902, ClinGen allele CA8952736.
Genomic context (GRCh38, chr18:46,577,733, plus strand): 5'-CTGGAGAAAACACCAGCAGGCAGGACGCATGTACCTGAGACATGGGAACTCCACGTTGTC[G>A]CTCTCAGGCTGCCCCTCCTCTCTCACCAGCACTCTGTCCAGGTACCAGCCGCTGCCGGAG-3'
Protein context (NP_001371403.1, residues 638-658): VLVREEGQPE[Ser648=]DNVEFPCLRW

ClinVar aggregate classification (germline): Conflicting classifications of pathogenicity. Review status: criteria provided, conflicting classifications (1 of 4 stars). 6 submissions from 6 submitters: Uncertain significance (2); Benign (2); Likely benign (1). 1 of the submissions does not count toward it. Last evaluated 2026-02-02.

Conditions:
Autosomal recessive nonsyndromic hearing loss 77. Identifiers: Orphanet 90636, MedGen C2746083, MONDO:0013119, OMIM 613079.

Allele frequency attached by ClinVar (database versions not stated): gnomAD 0.00021 and 0.00034; TOPMed 0.00030; ESP Exome Variant Server 0.00044; 1000 Genomes Project 30x 0.00047; gnomAD exomes 0.00049 and 0.00082; 1000 Genomes Project 0.00060; ExAC 0.00200.
gnomAD v4.1: 735 of 1,551,448 alleles (0.047%); highest among the groups gnomAD compares: South Asian, 0.39%; 6 homozygotes.

Submissions (6):

Labcorp Genetics (formerly Invitae), Labcorp
Classification: Benign. Last evaluated: 2026-02-02. Review status: criteria provided, single submitter. Criteria: Invitae Variant Classification Sherloc (09022015). Collection method: clinical testing. Allele origin: germline.

Blueprint Genetics
Classification: Likely benign. Last evaluated: 2024-11-01. Review status: criteria provided, single submitter. Criteria: ACMG Guidelines, 2015. Collection method: clinical testing. Allele origin: germline.

Illumina Laboratory Services, Illumina
Classification: Uncertain significance for Autosomal recessive nonsyndromic hearing loss 77. Last evaluated: 2018-01-13. Review status: criteria provided, single submitter. Criteria: ICSL Variant Classification Criteria 13 December 2019. Collection method: clinical testing. Allele origin: germline.

Laboratory for Molecular Medicine, Mass General Brigham Personalized Medicine
Classification: Benign. Last evaluated: 2016-07-21. Review status: criteria provided, single submitter. Criteria: LMM Criteria. Collection method: clinical testing. Allele origin: germline. Observed: 2 variant alleles.
Comment: p.Ser648Ser in Exon 14 of LOXHD1: This variant is not expected to have clinical significance because it does not alter an amino acid residue, is not located wit hin the splice consensus sequence, and has been identified in 0.5 (37/7902) of S outh Asian chromosomes including two homozygotes by the Exome Aggregation Consor tium (ExAC; dbSNP rs369039902).

Eurofins Ntd Llc (ga)
Classification: Uncertain significance. Last evaluated: 2016-05-17. Review status: criteria provided, single submitter. Criteria: EGL Classification Definitions 2015. Collection method: clinical testing. Allele origin: germline. Observed: 1 variant allele, 1 heterozygote.

Natera, Inc.
Classification: Likely benign for Autosomal recessive deafness type 77. Last evaluated: 2020-06-18. Review status: no assertion criteria provided. Collection method: clinical testing. Allele origin: germline. Not counted in ClinVar's aggregate classification.